The following is an entry in ClinVar:

ClinVar aggregate classification (germline): Uncertain significance (0 of 4 stars; one submission).

Conditions:
ACOX2-related disorder. Also called: ACOX2-related condition.

gnomAD v4.1: 3 of 1,614,040 alleles (0.00019%); highest among the groups gnomAD compares: Admixed American, 0.0017%; no homozygotes.

Submission:

PreventionGenetics, part of Exact Sciences
Classification: Uncertain significance for ACOX2-related condition. Last evaluated: 2024-08-16. Review status: no assertion criteria provided. Collection method: clinical testing. Allele origin: germline.
Comment: The ACOX2 c.1184C>T variant is predicted to result in the amino acid substitution p.Ala395Val. To our knowledge, this variant has not been reported in the literature or in a large population database, indicating this variant is rare. At this time, the clinical significance of this variant is uncertain due to the absence of conclusive functional and genetic evidence.

NM_003500.4(ACOX2):c.1184C>T (p.Ala395Val)

Gene: ACOX2 (acyl-CoA oxidase 2; minus strand). Cytogenetic location: 3p14.3.
Variant type: single nucleotide variant.
Coding change: c.1184C>T on transcript NM_003500.4 (MANE Select); coding-DNA position 1184, C replaced by T.
Protein change: p.Ala395Val; replaces alanine 395 with valine.
Molecular consequence: missense variant.
Genome position (GRCh38, 1-based): chr3:58,526,628, G>A on the plus strand (C>T on the coding strand, the complement: ACOX2 is on the minus strand). VCF-style: chr3-58526628-G-A. GRCh37 (hg19) VCF-style: chr3-58512355-G-A.
Other names: short protein forms A395V.
Identifiers: ClinVar variation 3345921 (VCV003345921.1).
Genomic context (GRCh38, chr3:58,526,628, plus strand): 5'-TGTCCGCCACAGGCCCTGCGGCACATCTCAGCTCCCTGGGTGCAGAATTCTGACATCATG[G>A]CCTTCATGCCCGTGCTCAGTGCGTGGAGCTGTGAGAACATGGAGGGGGGTTGGGCGGTGT-3'
Protein context (NP_003491.1, residues 385-405): ELHALSTGMK[Ala395Val]MMSEFCTQGA